The following is an entry in ClinVar:

ClinVar aggregate classification (germline): Likely benign (1 of 4 stars; one submission).

Allele frequency attached by ClinVar (database versions not stated): gnomAD exomes below 0.00001; ExAC 0.00001.
gnomAD v4.1: 3 of 1,610,902 alleles (0.00019%); highest among the groups gnomAD compares: Non-Finnish European, 0.00017%; no homozygotes.

Submission:

CeGaT Center for Human Genetics Tuebingen
Classification: Likely benign. Last evaluated: 2023-02-01. Review status: criteria provided, single submitter. Criteria: CeGaT Center For Human Genetics Tuebingen Variant Classification Criteria Version 2. Collection method: clinical testing. Allele origin: germline. Affected: yes. Observed: 1 variant allele.
Comment: SNED1: BP4, BP7

NM_001080437.3(SNED1):c.675C>T (p.Tyr225=)

Genes: SNED1 (sushi, nidogen and EGF like domains 1; plus strand), SNED1-AS1 (SNED1 antisense RNA 1; minus strand). Cytogenetic location: 2q37.3.
Variant type: single nucleotide variant.
Coding change: c.675C>T on transcript NM_001080437.3 (MANE Select); coding-DNA position 675, C replaced by T.
Protein change: p.Tyr225=; no amino-acid change (tyrosine 225 retained).
Molecular consequence: synonymous variant.
Genome position (GRCh38, 1-based): chr2:241,034,600, C>T. VCF-style: chr2-241034600-C-T. GRCh37 (hg19) VCF-style: chr2-241974017-C-T.
Identifiers: ClinVar variation 2652104 (VCV002652104.24), dbSNP rs751474096, ClinGen allele CA2210774.